The following is an entry in ClinVar:

NM_001082486.2(ACD):c.124G>A (p.Val42Ile)

Gene: ACD (ACD shelterin complex subunit and telomerase recruitment factor; minus strand). Cytogenetic location: 16q22.1.
Variant type: single nucleotide variant.
Coding change: c.124G>A on transcript NM_001082486.2 (MANE Select); coding-DNA position 124, G replaced by A.
Protein change: p.Val42Ile; replaces valine 42 with isoleucine.
Molecular consequence: missense variant.
Genome position (GRCh38, 1-based): chr16:67,660,021, C>T on the plus strand (G>A on the coding strand, the complement: ACD is on the minus strand). VCF-style: chr16-67660021-C-T. GRCh37 (hg19) VCF-style: chr16-67693924-C-T.
Other names: c.115G>A, p.Val39Ile (NM_022914.3); short protein forms V39I, V42I.
Identifiers: ClinVar variation 1063974 (VCV001063974.18), dbSNP rs758513965, ClinGen allele CA8114811.

ClinVar aggregate classification (germline): Uncertain significance. Review status: criteria provided, multiple submitters, no conflicts (2 of 4 stars). 4 submissions from 4 submitters: Uncertain significance (4). Last evaluated 2025-09-08.

Conditions:
Dyskeratosis congenita, autosomal dominant 6 (DKCA6). Identifiers: Orphanet 3322, MedGen C4225284, MONDO:0014690, OMIM 616553.
Inborn genetic diseases. Identifiers: MedGen C0950123, MeSH D030342.

Allele frequency attached by ClinVar (database versions not stated): gnomAD 0.00001; gnomAD exomes 0.00001 and 0.00003; ExAC 0.00002.

Submissions (4):

Labcorp Genetics (formerly Invitae), Labcorp
Classification: Uncertain significance for Dyskeratosis congenita, autosomal dominant 6. Last evaluated: 2025-09-08. Review status: criteria provided, single submitter. Criteria: Invitae Variant Classification Sherloc (09022015). Collection method: clinical testing. Allele origin: germline.
Comment: This sequence change replaces valine, which is neutral and non-polar, with isoleucine, which is neutral and non-polar, at codon 128 of the ACD protein (p.Val128Ile). This variant is present in population databases (rs758513965, gnomAD 0.02%). This variant has not been reported in the literature in individuals affected with ACD-related conditions. ClinVar contains an entry for this variant (Variation ID: 1063974). An algorithm developed to predict the effect of missense changes on protein structure and function (PolyPhen-2) suggests that this variant is likely to be tolerated. In summary, the available evidence is currently insufficient to determine the role of this variant in disease. Therefore, it has been classified as a Variant of Uncertain Significance.

Women's Health and Genetics/Laboratory Corporation of America, LabCorp
Classification: Uncertain significance. Last evaluated: 2023-12-15. Review status: criteria provided, single submitter. Criteria: LabCorp Variant Classification Summary - May 2015. Collection method: clinical testing. Allele origin: germline.
Comment: Variant summary: ACD c.124G>A (p.Val42Ile) results in a conservative amino acid change located in the Shelterin complex subunit TPP1/Est3 (IPR019437) of the encoded protein sequence. Four of four in-silico tools predict a benign effect of the variant on protein function. The variant allele was found at a frequency of 2.6e-05 in 232550 control chromosomes (gnomAD). The available data on variant occurrences in the general population are insufficient to allow any conclusion about variant significance. To our knowledge, no occurrence of c.124G>A in individuals affected with Dyskeratosis Congenita, Autosomal Dominant 6 and no experimental evidence demonstrating its impact on protein function have been reported. Three submitters have cited clinical-significance assessments for this variant to ClinVar after 2014. All submitters classified the variant as uncertain significance. Based on the evidence outlined above, the variant was classified as uncertain significance.

Ambry Genetics
Classification: Uncertain significance for Inborn genetic diseases. Last evaluated: 2023-09-06. Review status: criteria provided, single submitter. Criteria: Ambry Variant Classification Scheme 2023. Collection method: clinical testing. Allele origin: germline.
Comment: The p.V128I variant (also known as c.382G>A), located in coding exon 2 of the ACD gene, results from a G to A substitution at nucleotide position 382. The valine at codon 128 is replaced by isoleucine, an amino acid with highly similar properties. This amino acid position is conserved. In addition, this alteration is predicted to be tolerated by in silico analysis. Since supporting evidence is limited at this time, the clinical significance of this alteration remains unclear.

Genetic Services Laboratory, University of Chicago
Classification: Uncertain significance. Last evaluated: 2018-02-22. Review status: criteria provided, single submitter. Criteria: ACMG Guidelines, 2015. Collection method: clinical testing. Allele origin: germline. Affected: no.